The following is an entry in ClinVar:

ClinVar aggregate classification (germline): Uncertain significance (1 of 4 stars; one submission).

Conditions:
Inborn genetic diseases. Identifiers: MedGen C0950123, MeSH D030342.

Submission:

Ambry Genetics
Classification: Uncertain significance for Inborn genetic diseases. Last evaluated: 2024-10-28. Review status: criteria provided, single submitter. Criteria: Ambry Variant Classification Scheme 2023. Collection method: clinical testing. Allele origin: germline.
Comment: The p.P1477A variant (also known as c.4429C>G), located in coding exon 25 of the ATR gene, results from a C to G substitution at nucleotide position 4429. The proline at codon 1477 is replaced by alanine, an amino acid with highly similar properties. This amino acid position is conserved. In addition, the in silico prediction for this alteration is inconclusive. Based on the available evidence, the clinical significance of this variant remains unclear.

NM_001184.4(ATR):c.4429C>G (p.Pro1477Ala)

Gene: ATR (ATR serine/threonine kinase; minus strand). Cytogenetic location: 3q23.
Variant type: single nucleotide variant.
Coding change: c.4429C>G on transcript NM_001184.4 (MANE Select); coding-DNA position 4429, C replaced by G.
Protein change: p.Pro1477Ala; replaces proline 1477 with alanine.
Molecular consequence: missense variant.
Genome position (GRCh38, 1-based): chr3:142,515,469, G>C on the plus strand (C>G on the coding strand, the complement: ATR is on the minus strand). VCF-style: chr3-142515469-G-C. GRCh37 (hg19) VCF-style: chr3-142234311-G-C.
Other names: c.4237C>G, p.Pro1413Ala (NM_001354579.2); short protein forms P1413A, P1477A.
Identifiers: ClinVar variation 3463259 (VCV003463259.1).